The following is an entry in ClinVar:

GRCh37/hg19 2q37.3(chr2:241737061-241932645)x1

Genes: AGXT (alanine--glyoxylate aminotransferase; plus strand), KIF1A (kinesin family member 1A; minus strand), MAB21L4 (mab-21 like 4; minus strand). Cytogenetic location: 2q37.3.
Variant type: copy number loss.
Change: copy number 1 (one copy instead of two) of chr2:241,737,061-241,932,645 (195.6 kb, GRCh37 coordinates, 1-based), cytogenetic band 2q37.3.
Identifiers: ClinVar variation 3338442 (VCV003338442.1).

ClinVar aggregate classification (germline): Likely pathogenic (0 of 4 stars; one submission).

Conditions:
Hereditary spastic paraplegia 11. Also called: SPASTIC PARAPLEGIA, AUTOSOMAL RECESSIVE, COMPLICATED, WITH THIN CORPUS CALLOSUM; SPASTIC PARAPLEGIA, AUTOSOMAL RECESSIVE, WITH MENTAL IMPAIRMENT AND THIN CORPUS CALLOSUM; Nakamura Osame syndrome; Autosomal recessive hereditary spastic paraplegia, mental impairment, and thin corpus callosum; Spastic Paraplegia 11; Spastic paraplegia, mental retardation and thin corpus callosum. Identifiers: Orphanet 2822, MedGen C1858479, MONDO:0011445, OMIM 604360.

Submission:

Solve-RD Consortium
Classification: Likely pathogenic for Hereditary spastic paraplegia 11. Last evaluated: 2024-06-01. Review status: no assertion criteria provided. Collection method: provider interpretation. Allele origin: germline. Affected: yes.
Comment: This CNV was confirmed by the submitting clinician to impact a gene that corresponds with the phenotype of the affected individual, and thus deemed to be causative for their condition.

Literature cited by the submitters: PubMed 39825153.